The following is an entry in ClinVar:

ClinVar aggregate classification (germline): Uncertain significance (1 of 4 stars; one submission).

Conditions:
Familial cancer of breast. Also called: Hereditary breast cancer; BREAST CANCER, FAMILIAL; hereditary breast carcinoma. Identifiers: Orphanet 227535, MedGen C0346153, MONDO:0016419, OMIM 114480. Disease mechanism: loss of function.

Allele frequency attached by ClinVar (database versions not stated): gnomAD exomes below 0.00001.
gnomAD v4.1: 1 of 1,613,986 alleles (0.000062%); highest among the groups gnomAD compares: Non-Finnish European, 0.000085%; no homozygotes.

Submission:

Labcorp Genetics (formerly Invitae), Labcorp
Classification: Uncertain significance for Familial cancer of breast. Last evaluated: 2023-02-10. Review status: criteria provided, single submitter. Criteria: Invitae Variant Classification Sherloc (09022015). Collection method: clinical testing. Allele origin: germline.
Comment: In summary, the available evidence is currently insufficient to determine the role of this variant in disease. Therefore, it has been classified as a Variant of Uncertain Significance. Advanced modeling of protein sequence and biophysical properties (such as structural, functional, and spatial information, amino acid conservation, physicochemical variation, residue mobility, and thermodynamic stability) performed at Invitae indicates that this missense variant is not expected to disrupt PALB2 protein function. This variant has not been reported in the literature in individuals affected with PALB2-related conditions. This variant is not present in population databases (gnomAD no frequency). This sequence change replaces lysine, which is basic and polar, with glutamic acid, which is acidic and polar, at codon 379 of the PALB2 protein (p.Lys379Glu).

NM_024675.4(PALB2):c.1135A>G (p.Lys379Glu)

Gene: PALB2 (partner and localizer of BRCA2; minus strand). Cytogenetic location: 16p12.2.
Variant type: single nucleotide variant.
Coding change: c.1135A>G on transcript NM_024675.4 (MANE Select); coding-DNA position 1135, A replaced by G.
Protein change: p.Lys379Glu; replaces lysine 379 with glutamic acid.
Molecular consequence: missense variant.
Genome position (GRCh38, 1-based): chr16:23,635,411, T>C on the plus strand (A>G on the coding strand, the complement: PALB2 is on the minus strand). VCF-style: chr16-23635411-T-C. GRCh37 (hg19) VCF-style: chr16-23646732-T-C.
Other names: c.1075A>G, p.Lys359Glu (NM_001407296.1); c.1135A>G, p.Lys379Glu (NM_001407297.1, NM_001407298.1, NM_001407299.1 and 3 more transcripts); c.250A>G, p.Lys84Glu (NM_001407304.1, NM_001407305.1, NM_001407306.1 and 5 more transcripts); short protein forms K379E, K359E, K84E.
Identifiers: ClinVar variation 1941711 (VCV001941711.5), dbSNP rs2142424902, ClinGen allele CA395133622.